The following is an entry in ClinVar:

NM_002335.4(LRP5):c.283A>C (p.Thr95Pro)

Gene: LRP5 (LDL receptor related protein 5; plus strand). Cytogenetic location: 11q13.2.
Variant type: single nucleotide variant.
Coding change: c.283A>C on transcript NM_002335.4 (MANE Select); coding-DNA position 283, A replaced by C.
Protein change: p.Thr95Pro; replaces threonine 95 with proline.
Molecular consequence: missense variant. On other transcripts: 5 prime UTR variant (1).
Genome position (GRCh38, 1-based): chr11:68,348,038, A>C. VCF-style: chr11-68348038-A-C. GRCh37 (hg19) VCF-style: chr11-68115506-A-C.
Other names: c.-1483A>C (NM_001291902.2); c.283A>C (NM_002335.2); short protein forms T95P.
Identifiers: ClinVar variation 499450 (VCV000499450.14), dbSNP rs771960523, ClinGen allele CA6148950.

ClinVar aggregate classification (germline): Uncertain significance. Review status: criteria provided, multiple submitters, no conflicts (2 of 4 stars). 6 submissions from 6 submitters: Uncertain significance (5). 1 of the submissions does not count toward it. Last evaluated 2025-07-31.

Conditions:
Bone mineral density quantitative trait locus 1 (BMND1). Identifiers: MedGen C1866079, OMIM 601884.
Autosomal dominant osteopetrosis 1 (OPTA1). Also called: OSTEOPETROSIS, AUTOSOMAL DOMINANT, TYPE I. Identifiers: Orphanet 2783, MedGen C1843330, MONDO:0011877, OMIM 607634.
Exudative vitreoretinopathy 4 (EVR4). Identifiers: Orphanet 891, MedGen C1866176, MONDO:0011151, OMIM 601813.
Worth disease. Also called: ENDOSTEAL HYPEROSTOSIS, AUTOSOMAL DOMINANT; Autosomal dominant osteosclerosis, Worth type; OSTEOSCLEROSIS, AUTOSOMAL DOMINANT. Identifiers: Orphanet 2790, MedGen C0432273, MONDO:0007764, OMIM 144750.
Osteoporosis with pseudoglioma (OPPG). Also called: osteoporosis-pseudoglioma syndrome. Identifiers: Orphanet 2788, MedGen C0432252, MONDO:0009820, OMIM 259770.
Polycystic liver disease 4 with or without kidney cysts. Identifiers: MedGen C4693479, MONDO:0044327, OMIM 617875.

Allele frequency attached by ClinVar (database versions not stated): ExAC 0.00001; gnomAD 0.00001; TOPMed 0.00002.
gnomAD v4.1: 38 of 1,613,966 alleles (0.0024%); highest among the groups gnomAD compares: Non-Finnish European, 0.0031%; no homozygotes.

Submissions (6):

Labcorp Genetics (formerly Invitae), Labcorp
Classification: Uncertain significance. Last evaluated: 2025-07-31. Review status: criteria provided, single submitter. Criteria: Invitae Variant Classification Sherloc (09022015). Collection method: clinical testing. Allele origin: germline.
Comment: This sequence change replaces threonine, which is neutral and polar, with proline, which is neutral and non-polar, at codon 95 of the LRP5 protein (p.Thr95Pro). This variant is present in population databases (rs771960523, gnomAD 0.003%). This variant has not been reported in the literature in individuals affected with LRP5-related conditions. ClinVar contains an entry for this variant (Variation ID: 499450). Invitae Evidence Modeling of protein sequence and biophysical properties (such as structural, functional, and spatial information, amino acid conservation, physicochemical variation, residue mobility, and thermodynamic stability) indicates that this missense variant is not expected to disrupt LRP5 protein function with a negative predictive value of 95%. In summary, the available evidence is currently insufficient to determine the role of this variant in disease. Therefore, it has been classified as a Variant of Uncertain Significance.

GeneDx
Classification: Uncertain significance. Last evaluated: 2024-09-12. Review status: criteria provided, single submitter. Criteria: GeneDx Variant Classification Process June 2021. Collection method: clinical testing. Allele origin: germline.
Comment: In silico analysis indicates that this missense variant does not alter protein structure/function; Has not been previously published as pathogenic or benign to our knowledge

Fulgent Genetics
Classification: Uncertain significance for Worth disease; Osteoporosis with pseudoglioma; Exudative vitreoretinopathy 4; Bone mineral density quantitative trait locus 1; Autosomal dominant osteopetrosis 1; Polycystic liver disease 4 with or without kidney cysts. Last evaluated: 2024-05-28. Review status: criteria provided, single submitter. Criteria: ACMG Guidelines, 2015. Collection method: clinical testing. Allele origin: germline.

Blueprint Genetics
Classification: Uncertain significance. Last evaluated: 2017-08-15. Review status: criteria provided, single submitter. Criteria: ACMG Guidelines, 2015. Collection method: clinical testing. Allele origin: germline.

Eurofins Ntd Llc (ga)
Classification: Uncertain significance. Last evaluated: 2017-01-11. Review status: criteria provided, single submitter. Criteria: EGL Classification Definitions 2015. Collection method: clinical testing. Allele origin: germline. Observed: 1 variant allele, 1 heterozygote.

Department of Pathology and Laboratory Medicine, Sinai Health System
Classification: Uncertain significance. Review status: no assertion criteria provided. Collection method: clinical testing. Allele origin: unknown. Affected: yes. Study: The Canadian Open Genetics Repository (COGR). Not counted in ClinVar's aggregate classification.
Comment: The LRP5 p.Thr95Pro variant was not identified in the literature but was identified in dbSNP (ID: rs771960523) and ClinVar (classified as uncertain significance by EGL Genetic Diagnostics). The variant was identified in control databases in 3 of 251274 chromosomes at a frequency of 0.00001194 (Genome Aggregation Database March 6, 2019, v2.1.1). The variant was observed in the European (non-Finnish) population in 3 of 113602 chromosomes (freq: 0.000026), but was not observed in the African, Latino, Ashkenazi Jewish, East Asian, European (Finnish), Other, or South Asian populations. The p.Thr95 residue is conserved in mammals and computational analyses (PolyPhen-2, SIFT, AlignGVGD, BLOSUM, MutationTaster) provide inconsistent predictions regarding the impact to the protein; this information is not very predictive of pathogenicity. The variant occurs outside of the splicing consensus sequence and 1 of 4 in silico or computational prediction software programs (SpliceSiteFinder, MaxEntScan, NNSPLICE, GeneSplicer) predict a greater than 10% difference in splicing; this is not very predictive of pathogenicity. In summary, based on the above information the clinical significance of this variant cannot be determined with certainty at this time. This variant is classified as a variant of uncertain significance.